The following is an entry in ClinVar:

NM_000198.4(HSD3B2):c.707del (p.Ala235_Leu236insTer)

Gene: HSD3B2 (hydroxy-delta-5-steroid dehydrogenase, 3 beta- and steroid delta-isomerase 2; plus strand). Cytogenetic location: 1p12.
Variant type: Deletion.
Coding change: c.707del on transcript NM_000198.4 (MANE Select); coding-DNA position 707, one base deleted (T; older notation c.707delT).
Protein change: p.Ala235_Leu236insTer.
Molecular consequence: nonsense.
Genome position (GRCh38, 1-based): chr1:119,422,208, T deleted; the last of 2 consecutive T bases (chr1:119,422,207-119,422,208); deleting either gives the same sequence. VCF-style (leftmost placement, unchanged base first): chr1-119422206-CT-C. GRCh37 (hg19) VCF-style: chr1-119964829-CT-C.
Other names: c.707del, p.Ala235_Leu236insTer (NM_001166120.2).
Identifiers: ClinVar variation 1076576 (VCV001076576.9), dbSNP rs2101350040, ClinGen allele CA2499214133.
Genomic context (GRCh38, chr1:119,422,206, plus strand): 5'-AAAGTTCTCTACAGTCAACCCAGTCTATGTTGGCAACGTGGCCTGGGCCCACATTCTGGC[CT>C]TGAGGGCTCTGCGGGACCCCAAGAAGGCCCCAAGTGTCCGAGGTCAATTCTATTACATCT-3'

ClinVar aggregate classification (germline): Pathogenic (1 of 4 stars; one submission).

Submission:

Labcorp Genetics (formerly Invitae), Labcorp
Classification: Pathogenic. Last evaluated: 2023-09-07. Review status: criteria provided, single submitter. Criteria: Invitae Variant Classification Sherloc (09022015). Collection method: clinical testing. Allele origin: germline.
Comment: For these reasons, this variant has been classified as Pathogenic. This variant disrupts a region of the HSD3B2 protein in which other variant(s) (p.Arg335*) have been determined to be pathogenic (PMID: 18252794, 31006099). This suggests that this is a clinically significant region of the protein, and that variants that disrupt it are likely to be disease-causing. This variant disrupts the C-terminus of the HSD3B2 protein, which has been demonstrated to be critical for enzymatic activity (PMID: 1825279). While functional studies have not been performed to directly test the effect of this variant on HSD3B2 protein function, this suggests that disruption of this region of the protein is causative of disease. ClinVar contains an entry for this variant (Variation ID: 1076576). This variant has not been reported in the literature in individuals affected with HSD3B2-related conditions. This variant is not present in population databases (gnomAD no frequency). This sequence change creates a premature translational stop signal (p.Leu236*) in the HSD3B2 gene. While this is not anticipated to result in nonsense mediated decay, it is expected to disrupt the last 137 amino acid(s) of the HSD3B2 protein.

Literature cited by the submitters: PubMed 18252794; PubMed 31006099; PubMed 1825279.